The following is an entry in ClinVar:

ClinVar aggregate classification (germline): Conflicting classifications of pathogenicity. Review status: criteria provided, conflicting classifications (1 of 4 stars). 10 submissions from 10 submitters: Pathogenic (1); Likely pathogenic (5); Uncertain significance (1). 3 of the submissions do not count toward it. Last evaluated 2026-10-20.

Conditions:
COACH syndrome 2. Identifiers: MedGen C5436837, MONDO:0030859, OMIM 619111.
Retinitis pigmentosa 93. Identifiers: MedGen C5676970, MONDO:0030797, OMIM 619845.
Meckel syndrome, type 6. Identifiers: Orphanet 564, MedGen C2676790, MONDO:0012848, OMIM 612284.
Joubert syndrome 9 (JBTS9). Identifiers: Orphanet 2318, MedGen C2676788, MONDO:0012849, OMIM 612285.
CC2D2A-related disorder. Also called: CC2D2A-related disorders; CC2D2A-related condition. Identifiers: MedGen CN239313.
Meckel-Gruber syndrome. Also called: Dysencephalia splachnocystica; DYSENCEPHALIA SPLANCHNOCYSTICA; GRUBER SYNDROME. Identifiers: Orphanet 564, MedGen C0265215, MONDO:0018921.
Joubert syndrome. Also called: Familial aplasia of the vermis; JOUBERT-BOLTSHAUSER SYNDROME. Identifiers: Orphanet 475, MedGen C5979921, MONDO:0018772.

Allele frequency attached by ClinVar (database versions not stated): TOPMed 0.00003; ExAC 0.00001; gnomAD 0.00002; gnomAD exomes 0.00003.
gnomAD v4.1: 40 of 1,608,500 alleles (0.0025%); highest among the groups gnomAD compares: Admixed American, 0.012%; no homozygotes.

Submissions (10):

GeneDx
Classification: Uncertain significance. Last evaluated: 2026-10-20. Review status: criteria provided, single submitter. Criteria: GeneDx Variant Classification Process June 2021. Collection method: clinical testing. Allele origin: germline.
Comment: Reported previously in patients with Nephronophthisis-related ciliopathies and Meckel-Gruber syndrome, who also harbored a second variant (phase unknown) (PMID: 21866095, 23351400); In silico analysis supports that this missense variant has a deleterious effect on protein structure/function; This variant is associated with the following publications: (PMID: 31964843, 31589614, 26477546, 21068128, 23351400, 21866095, 36319078)

PreventionGenetics, part of Exact Sciences
Classification: Likely pathogenic for CC2D2A-related condition. Last evaluated: 2026-03-18. Review status: criteria provided, single submitter. Criteria: ACMG Guidelines, 2015. Collection method: clinical testing. Allele origin: germline.
Comment: The CC2D2A c.3544T>C variant is predicted to result in the amino acid substitution p.Trp1182Arg. This variant has been reported with another pathogenic variant in individuals with Meckel-Gruber syndrome (Otto et al. 2011. PubMed ID: 21068128; Supplementary Table S10, Chaki et al. 2011. PubMed ID: 21866095; Figure S1 and Supplemental material, Harion et al. 2023. PubMed ID: 36319078; ). This variant is reported in 0.015% of alleles in individuals of Latino descent in gnomAD. This variant is interpreted as likely pathogenic.

Labcorp Genetics (formerly Invitae), Labcorp
Classification: Pathogenic for Joubert syndrome; Meckel-Gruber syndrome. Last evaluated: 2025-11-25. Review status: criteria provided, single submitter. Criteria: Invitae Variant Classification Sherloc (09022015). Collection method: clinical testing. Allele origin: germline.
Comment: This sequence change replaces tryptophan, which is neutral and slightly polar, with arginine, which is basic and polar, at codon 1182 of the CC2D2A protein (p.Trp1182Arg). This variant is present in population databases (rs386833755, gnomAD 0.02%). This missense change has been observed in individual(s) with Joubert syndrome and/or Meckel-Gruber syndrome (PMID: 21068128, 23351400, 36319078). In at least one individual the data is consistent with being in trans (on the opposite chromosome) from a pathogenic variant. ClinVar contains an entry for this variant (Variation ID: 56307). Invitae Evidence Modeling of protein sequence and biophysical properties (such as structural, functional, and spatial information, amino acid conservation, physicochemical variation, residue mobility, and thermodynamic stability) indicates that this missense variant is expected to disrupt CC2D2A protein function with a positive predictive value of 95%. For these reasons, this variant has been classified as Pathogenic.

3billion
Classification: Likely pathogenic for Meckel syndrome, type 6. Last evaluated: 2025-02-10. Review status: criteria provided, single submitter. Criteria: ACMG Guidelines, 2015. Collection method: clinical testing. Allele origin: germline. Affected: yes.
Comment: The variant is observed at an extremely low frequency in the gnomAD v4.1.0 dataset (total allele frequency: 0.002%). Predicted Consequence/Location: Missense variant. The majority of the known disease-causing variants of this gene are variants expected to result in premature termination of the protein. In silico tool predictions suggest damaging effect of the variant on gene or gene product [REVEL: 0.94 (>=0.6, sensitivity 0.68 and specificity 0.92); 3Cnet: 0.93 (>=0.6, sensitivity 0.72 and precision 0.9)]. The same nucleotide change resulting in the same amino acid change has been previously reported as pathogenic/likely pathogenic with strong evidence (ClinVar ID: VCV000056307 /PMID: 21068128 /3billion dataset). Therefore, this variant is classified as Likely pathogenic according to the recommendation of ACMG/AMP guideline.

Fulgent Genetics
Classification: Likely pathogenic for Meckel syndrome, type 6; Joubert syndrome 9; COACH syndrome 2; Retinitis pigmentosa 93. Last evaluated: 2024-06-21. Review status: criteria provided, single submitter. Criteria: ACMG Guidelines, 2015. Collection method: clinical testing. Allele origin: germline.

Blueprint Genetics
Classification: Likely pathogenic for CC2D2A-related disorders. Last evaluated: 2022-05-03. Review status: criteria provided, single submitter. Criteria: ACMG Guidelines, 2015. Collection method: clinical testing. Allele origin: germline. Affected: yes. Observed: 5 variant alleles.

Rady Children's Institute for Genomic Medicine, Rady Children's Hospital San Diego
Classification: Likely pathogenic for CC2D2A-Related Disorders. Review status: criteria provided, single submitter. Criteria: ACMG Guidelines, 2015. Collection method: clinical testing. Allele origin: germline. Affected: yes.
Comment: This variant has been previously reported as a compound heterozygous change in two patients with Meckel syndrome (PMID: 21068128, 23351400). The c.3544T>C (p.Trp1182Arg) variant is present in the heterozygous state in the gnomAD population database at a frequency of 0.003% (8/244008) and thus is presumed to be rare. The c.3544T>C (p.Trp1182Arg) variant affects a highly conserved amino acid and is predicted by multiple in silico tools to have a deleterious effect on protein function. Based on the available evidence, the c.3544T>C (p.Trp1182Arg) variant is classified as Likely Pathogenic.

Clinical Genetics DNA and cytogenetics Diagnostics Lab, Erasmus MC, Erasmus Medical Center
Classification: Likely pathogenic. Review status: no assertion criteria provided. Collection method: clinical testing. Allele origin: germline. Affected: yes. Study: VKGL Data-share Consensus. Not counted in ClinVar's aggregate classification.

Joint Genome Diagnostic Labs from Nijmegen and Maastricht, Radboudumc and MUMC+
Classification: Pathogenic. Review status: no assertion criteria provided. Collection method: clinical testing. Allele origin: germline. Affected: yes. Study: VKGL Data-share Consensus. Not counted in ClinVar's aggregate classification.

Juha Muilu Group; Institute for Molecular Medicine Finland (FIMM)
Classification: Likely pathogenic for Meckel syndrome, type 6. Review status: no assertion criteria provided. Collection method: not provided. Allele origin: unknown. Not counted in ClinVar's aggregate classification.
Comment: FinDis database variant: This variant was not found or characterized by our laboratory, data were collected from public sources: see reference
ClinVar note: Converted during submission from probable-pathogenic to Likely pathogenic.

Literature cited by the submitters: PubMed 21068128 (cited by Labcorp Genetics (formerly Invitae), Labcorp and 3billion); PubMed 23351400 (cited by Labcorp Genetics (formerly Invitae), Labcorp); PubMed 36319078 (cited by Labcorp Genetics (formerly Invitae), Labcorp).

NM_001378615.1(CC2D2A):c.3544T>C (p.Trp1182Arg)

Genes: CC2D2A (coiled-coil and C2 domain containing 2A; plus strand), FBXL5 (F-box and leucine rich repeat protein 5; minus strand). Cytogenetic location: 4p15.32.
Variant type: single nucleotide variant.
Coding change: c.3544T>C on transcript NM_001378615.1 (MANE Select); coding-DNA position 3544, T replaced by C.
Protein change: p.Trp1182Arg; replaces tryptophan 1182 with arginine.
Molecular consequence: missense variant.
Genome position (GRCh38, 1-based): chr4:15,570,446, T>C. VCF-style: chr4-15570446-T-C. GRCh37 (hg19) VCF-style: chr4-15572069-T-C.
Other names: c.3544T>C, p.Trp1182Arg (NM_001080522.2); c.3397T>C, p.Trp1133Arg (NM_001378617.1); short protein forms W1182R, W1133R.
Identifiers: ClinVar variation 56307 (VCV000056307.19), dbSNP rs386833755, ClinGen allele CA144229.